The following is an entry in ClinVar:

ClinVar aggregate classification (germline): Uncertain significance (1 of 4 stars; one submission).

Conditions:
Loeys-Dietz syndrome 2 (LDS2). Also called: TGFBR2-Related Loeys-Dietz Syndrome; AORTIC ANEURYSM, FAMILIAL THORACIC 3; MARFAN SYNDROME, TYPE II; Marfan syndrome, type 2 (formerly); Marfan Syndrome type 2; Marfan like connective tissue disorder. Identifiers: Orphanet 284973, Orphanet 558, MedGen C2674574, MONDO:0012427, OMIM 610168.

Submission:

All of Us Research Program, National Institutes of Health
Classification: Uncertain significance for Loeys-Dietz syndrome 2. Last evaluated: 2023-11-30. Review status: criteria provided, single submitter. Criteria: ACMG Guidelines, 2015. Collection method: clinical testing. Allele origin: germline. Inheritance: Autosomal dominant inheritance. Observed: 1 variant allele, 1 heterozygote.
Comment: This study involves interpretation of variants in research participants for the purpose of population health screening. Participant phenotype was not available at the time of variant classification. Additional details can be found in publication PMID: 35346344, PMCID: PMC8962531

NM_003242.6(TGFBR2):c.1126G>T (p.Val376Leu)

Gene: TGFBR2 (transforming growth factor beta receptor 2; plus strand). Cytogenetic location: 3p24.1.
Variant type: single nucleotide variant.
Coding change: c.1126G>T on transcript NM_003242.6 (MANE Select); coding-DNA position 1126, G replaced by T.
Protein change: p.Val376Leu; replaces valine 376 with leucine.
Molecular consequence: missense variant. On other transcripts: intron variant (1).
Genome position (GRCh38, 1-based): chr3:30,672,309, G>T. VCF-style: chr3-30672309-G-T. GRCh37 (hg19) VCF-style: chr3-30713801-G-T.
Other names: c.1021G>T, p.Val341Leu (NM_001407134.1, NM_001407135.1, NM_001407136.1 and 2 more transcripts); c.841G>T, p.Val281Leu (NM_001407137.1); c.766G>T, p.Val256Leu (NM_001407138.1); c.530-16078G>T (NM_001407139.1); c.1201G>T, p.Val401Leu (NM_001024847.3); c.1309G>T, p.Val437Leu (NM_001407126.1); c.1234G>T, p.Val412Leu (NM_001407127.1); c.1153G>T, p.Val385Leu (NM_001407128.1); and 2 more; short protein forms V256L, V281L, V341L, V376L, V377L, V385L, V401L, V412L.
Identifiers: ClinVar variation 3073913 (VCV003073913.1), dbSNP rs755967723, ClinGen allele CA351808592.
Genomic context (GRCh38, chr3:30,672,309, plus strand): 5'-CGGGGGATTGCTCACCTCCACAGTGATCACACTCCATGTGGGAGGCCCAAGATGCCCATC[G>T]TGCACAGGGACCTCAAGAGCTCCAATATCCTCGTGAAGAACGACCTAACCTGCTGCCTGT-3'
Protein context (NP_003233.4, residues 366-386): TPCGRPKMPI[Val376Leu]HRDLKSSNIL